The following is an entry in ClinVar:

ClinVar aggregate classification (germline): Conflicting classifications of pathogenicity. Review status: criteria provided, conflicting classifications (1 of 4 stars). 9 submissions from 9 submitters: Uncertain significance (4); Uncertain risk allele (1); Likely benign (3). 1 of the submissions does not count toward it. Last evaluated 2025-12-24.

Conditions:
Autosomal dominant nonsyndromic hearing loss 6 (LFSNHL). Also called: DEAFNESS, AUTOSOMAL DOMINANT 6; DEAFNESS, AUTOSOMAL DOMINANT 14; DEAFNESS, AUTOSOMAL DOMINANT 38; Autosomal dominant nonsyndromic deafness 6. Identifiers: Orphanet 90635, MedGen C1833021, MONDO:0010963, OMIM 600965.
Type 2 diabetes mellitus. Also called: Type II diabetes mellitus. Identifiers: MedGen C0011860, MeSH D003924, MONDO:0005148, OMIM 125853, HP:0005978.
Wolfram syndrome 1 (WFS1). Identifiers: Orphanet 3463, MedGen C4551693, MONDO:0009101, OMIM 222300.
Cataract 41 (CTRCT41). Also called: CATARACT 41, CONGENITAL NUCLEAR TYPE. Identifiers: Orphanet 91492, Orphanet 98991, Orphanet 98992, Orphanet 98995, MedGen C3805412, MONDO:0007287, OMIM 116400.
Wolfram-like syndrome. Also called: HEARING LOSS, PROGRESSIVE, WITH OPTIC ATROPHY AND/OR IMPAIRED GLUCOSE REGULATION. Identifiers: Orphanet 411590, MedGen C3280358, MONDO:0013673, OMIM 614296.
WFS1-related disorder. Identifiers: MedGen CN379391, MONDO:0700293.
Inborn genetic diseases. Identifiers: MedGen C0950123, MeSH D030342.

Allele frequency attached by ClinVar (database versions not stated): gnomAD exomes 0.00012; ExAC 0.00016; ESP Exome Variant Server 0.00038; 1000 Genomes Project 0.00040; gnomAD 0.00042; TOPMed 0.00046; 1000 Genomes Project 30x 0.00047.

Submissions (9):

Labcorp Genetics (formerly Invitae), Labcorp
Classification: Uncertain significance. Last evaluated: 2025-12-24. Review status: criteria provided, single submitter. Criteria: Invitae Variant Classification Sherloc (09022015). Collection method: clinical testing. Allele origin: germline.
Comment: This sequence change replaces alanine, which is neutral and non-polar, with valine, which is neutral and non-polar, at codon 569 of the WFS1 protein (p.Ala569Val). This variant is present in population databases (rs144492050, gnomAD 0.2%). This missense change has been observed in individual(s) with clinical features of Wolfram syndrome (PMID: 24890733, 38465286). ClinVar contains an entry for this variant (Variation ID: 504710). Invitae Evidence Modeling of protein sequence and biophysical properties (such as structural, functional, and spatial information, amino acid conservation, physicochemical variation, residue mobility, and thermodynamic stability) indicates that this missense variant is not expected to disrupt WFS1 protein function with a negative predictive value of 80%. In summary, the available evidence is currently insufficient to determine the role of this variant in disease. Therefore, it has been classified as a Variant of Uncertain Significance.

Women's Health and Genetics/Laboratory Corporation of America, LabCorp
Classification: Uncertain significance. Last evaluated: 2025-09-16. Review status: criteria provided, single submitter. Criteria: LabCorp Variant Classification Summary - May 2015. Collection method: clinical testing. Allele origin: germline.
Comment: Variant summary: WFS1 c.1706C>T (p.Ala569Val) results in a non-conservative amino acid change in the encoded protein sequence. Algorithms developed to predict the effect of missense changes on protein structure and function are either unavailable or do not agree on the potential impact of this missense change. The variant allele was found at a frequency of 0.00012 in 250914 control chromosomes (gnomAD). This frequency is not significantly higher than estimated for disease-causing variants in WFS1, allowing no conclusion about variant significance. c.1706C>T has been observed in individuals affected with Wolfram Syndrome 1 (Chaussenot_2015, Astuti_2017, Nogueira_2024). These reports do not provide unequivocal conclusions about association of the variant with Wolfram Syndrome 1. To our knowledge, no experimental evidence demonstrating an impact on protein function has been reported. The following publications have been ascertained in the context of this evaluation (PMID: 28432734, 24890733, 38465286). ClinVar contains an entry for this variant (Variation ID: 504710). Based on the evidence outlined above, the variant was classified as uncertain significance.

Fulgent Genetics
Classification: Likely benign for Cataract 41; Type 2 diabetes mellitus; Wolfram syndrome 1; Autosomal dominant nonsyndromic hearing loss 6; Wolfram-like syndrome. Last evaluated: 2024-02-21. Review status: criteria provided, single submitter. Criteria: ACMG Guidelines, 2015. Collection method: clinical testing. Allele origin: germline.

Blueprint Genetics
Classification: Uncertain significance. Last evaluated: 2022-09-09. Review status: criteria provided, single submitter. Criteria: ACMG Guidelines, 2015. Collection method: clinical testing. Allele origin: germline.

Ambry Genetics
Classification: Likely benign for Inborn genetic diseases. Last evaluated: 2021-08-27. Review status: criteria provided, single submitter. Criteria: Ambry Variant Classification Scheme 2023. Collection method: clinical testing. Allele origin: germline.

GeneDx
Classification: Likely benign. Last evaluated: 2020-08-18. Review status: criteria provided, single submitter. Criteria: GeneDx Variant Classification Process June 2021. Collection method: clinical testing. Allele origin: germline. Affected: yes.
Comment: This variant is associated with the following publications: (PMID: 24890733)

Laboratory for Molecular Medicine, Mass General Brigham Personalized Medicine
Classification: Uncertain significance. Last evaluated: 2017-07-06. Review status: criteria provided, single submitter. Criteria: LMM Criteria. Collection method: clinical testing. Allele origin: germline. Observed: 1 variant allele.
Comment: Although this variant has been seen in the general population, its fr equency is not high enough to rule out a pathogenic role. Computational predicti on tools and conservation analysis do not provide strong support for or against an impact to the protein. In summary, the clinical significance of the p.Ala569V al variant is uncertain.

Clinical Genomics, Uppaluri K&H Personalized Medicine Clinic
Classification: Uncertain risk allele for Wolfram syndrome 1. Review status: criteria provided, single submitter. Criteria: K & H Uppaluri Personalized Medicine Clinic Variant Classification & Assertion Criteria_Updated V.1. Collection method: research. Allele origin: unknown. Inheritance: Autosomal recessive inheritance.
Comment: Potent mutations in WFS1 gene are associated with Wolfram's syndrome, an autosomal recessive condition, which cause diabetes mellitus, diabetes insipidus, deafness and optic atrophy. However no sufficient evidence is found to ascertain the role of this particular variant rs144492050 in Wolfram's syndrome yet.

PreventionGenetics, part of Exact Sciences
Classification: Uncertain significance for WFS1-related condition. Last evaluated: 2024-06-10. Review status: no assertion criteria provided. Collection method: clinical testing. Allele origin: germline. Not counted in ClinVar's aggregate classification.
Comment: The WFS1 c.1706C>T variant is predicted to result in the amino acid substitution p.Ala569Val. This variant was reported in an individual with features consistent with Wolfram syndrome, although a second potentially causative variant was not identified (Chaussenot et al. 2015. PubMed ID: 24890733). This variant is reported in 0.17% of alleles in individuals of African descent in gnomAD. Although we suspect that this variant may be benign, at this time, the clinical significance of this variant is uncertain due to the absence of conclusive functional and genetic evidence.

Literature cited by the submitters: PubMed 24890733 (cited by 3 submitters); PubMed 38465286 (cited by Labcorp Genetics (formerly Invitae), Labcorp and Women's Health and Genetics/Laboratory Corporation of America, LabCorp); PubMed 28432734 (cited by Women's Health and Genetics/Laboratory Corporation of America, LabCorp); PubMed 20738327 (cited by Clinical Genomics, Uppaluri K&H Personalized Medicine Clinic); PubMed 33879153 (cited by Clinical Genomics, Uppaluri K&H Personalized Medicine Clinic); PubMed 12955714 (cited by Clinical Genomics, Uppaluri K&H Personalized Medicine Clinic); PubMed 18060660 (cited by Clinical Genomics, Uppaluri K&H Personalized Medicine Clinic); PubMed 20301750 (cited by Clinical Genomics, Uppaluri K&H Personalized Medicine Clinic); PubMed 17603484 (cited by Clinical Genomics, Uppaluri K&H Personalized Medicine Clinic).

NM_006005.3(WFS1):c.1706C>T (p.Ala569Val)

Gene: WFS1 (wolframin ER transmembrane glycoprotein; plus strand). Cytogenetic location: 4p16.1.
Variant type: single nucleotide variant.
Coding change: c.1706C>T on transcript NM_006005.3 (MANE Select); coding-DNA position 1706, C replaced by T.
Protein change: p.Ala569Val; replaces alanine 569 with valine.
Molecular consequence: missense variant.
Genome position (GRCh38, 1-based): chr4:6,301,501, C>T. VCF-style: chr4-6301501-C-T. GRCh37 (hg19) VCF-style: chr4-6303228-C-T.
Other names: c.1706C>T, p.Ala569Val (NM_001145853.1); short protein forms A569V.
Identifiers: ClinVar variation 504710 (VCV000504710.21), dbSNP rs144492050, ClinGen allele CA2839455.